The following is an entry in ClinVar:

ClinVar aggregate classification (germline): Conflicting classifications of pathogenicity. Review status: criteria provided, conflicting classifications (1 of 4 stars). 4 submissions from 4 submitters: Uncertain significance (1); Benign (1); Likely benign (1). 1 of the submissions does not count toward it. Last evaluated 2026-01-14.

Conditions:
EVC2-related disorder. Also called: EVC2-related condition.
Ellis-van Creveld syndrome (EVC). Also called: MESOECTODERMAL DYSPLASIA; Chondroectodermal dysplasia. Identifiers: Orphanet 289, MedGen C0013903, MONDO:0009162, OMIM 225500.
Curry-Hall syndrome (WAD). Also called: WEYERS ACRODENTAL DYSOSTOSIS. Identifiers: Orphanet 952, MedGen C0457013, MONDO:0008673, OMIM 193530.

Allele frequency attached by ClinVar (database versions not stated): ESP Exome Variant Server 0.00008; TOPMed 0.00015; 1000 Genomes Project 30x 0.00047; gnomAD exomes 0.00047 and 0.00077; gnomAD 0.00058 and 0.00060; 1000 Genomes Project 0.00060; ExAC 0.00102.
gnomAD v4.1: 771 of 1,607,020 alleles (0.048%); highest among the groups gnomAD compares: Middle Eastern, 0.038%; 4 homozygotes.

Submissions (4):

Labcorp Genetics (formerly Invitae), Labcorp
Classification: Benign for Curry-Hall syndrome; Ellis-van Creveld syndrome. Last evaluated: 2026-01-14. Review status: criteria provided, single submitter. Criteria: Invitae Variant Classification Sherloc (09022015). Collection method: clinical testing. Allele origin: germline.

Blueprint Genetics
Classification: Likely benign. Last evaluated: 2024-11-23. Review status: criteria provided, single submitter. Criteria: ACMG Guidelines, 2015. Collection method: clinical testing. Allele origin: germline.

Illumina Laboratory Services, Illumina
Classification: Uncertain significance for Ellis-van Creveld syndrome. Last evaluated: 2018-01-12. Review status: criteria provided, single submitter. Criteria: ICSL Variant Classification Criteria 13 December 2019. Collection method: clinical testing. Allele origin: germline.

PreventionGenetics, part of Exact Sciences
Classification: Likely benign for EVC2-related condition. Last evaluated: 2020-04-24. Review status: no assertion criteria provided. Collection method: clinical testing. Allele origin: germline. Not counted in ClinVar's aggregate classification.
Comment: This variant is classified as likely benign based on ACMG/AMP sequence variant interpretation guidelines (Richards et al. 2015 PMID: 25741868, with internal and published modifications).

NM_147127.5(EVC2):c.3431G>A (p.Ser1144Asn)

Gene: EVC2 (EvC ciliary complex subunit 2; minus strand). Cytogenetic location: 4p16.2.
Variant type: single nucleotide variant.
Coding change: c.3431G>A on transcript NM_147127.5 (MANE Select); coding-DNA position 3431, G replaced by A.
Protein change: p.Ser1144Asn; replaces serine 1144 with asparagine.
Molecular consequence: missense variant.
Genome position (GRCh38, 1-based): chr4:5,568,570, C>T on the plus strand (G>A on the coding strand, the complement: EVC2 is on the minus strand). VCF-style: chr4-5568570-C-T. GRCh37 (hg19) VCF-style: chr4-5570297-C-T.
Other names: c.3191G>A, p.Ser1064Asn (NM_001166136.2); short protein forms S1144N, S1064N.
Identifiers: ClinVar variation 771792 (VCV000771792.18), dbSNP rs200609501, ClinGen allele CA2834314.